The following is an entry in ClinVar:

NM_001042646.3(TRAK1):c.2419G>A (p.Asp807Asn)

Gene: TRAK1 (trafficking kinesin protein 1; plus strand). Cytogenetic location: 3p22.1.
Variant type: single nucleotide variant.
Coding change: c.2419G>A on transcript NM_001042646.3 (MANE Select); coding-DNA position 2419, G replaced by A.
Protein change: p.Asp807Asn; replaces aspartic acid 807 with asparagine.
Molecular consequence: missense variant. On other transcripts: 3 prime UTR variant (1), non-coding transcript variant (1).
Genome position (GRCh38, 1-based): chr3:42,223,294, G>A. VCF-style: chr3-42223294-G-A. GRCh37 (hg19) VCF-style: chr3-42264786-G-A.
Other names: c.2044G>A, p.Asp682Asn (NM_001349245.1); c.2356G>A, p.Asp786Asn (NM_001349246.2); c.*373G>A (NM_001349247.2); c.2134G>A, p.Asp712Asn (NM_001349248.1); c.2197G>A, p.Asp733Asn (NM_001349249.1); c.2245G>A, p.Asp749Asn (NM_001410741.1); short protein forms D712N, D749N, D786N, D682N, D733N, D807N.
Identifiers: ClinVar variation 1905452 (VCV001905452.5), dbSNP rs776184775, ClinGen allele CA2333862.

ClinVar aggregate classification (germline): Uncertain significance (1 of 4 stars; one submission).

Allele frequency attached by ClinVar (database versions not stated): gnomAD 0.00001; ExAC 0.00002.
gnomAD v4.1: 61 of 1,613,990 alleles (0.0038%); highest among the groups gnomAD compares: South Asian, 0.015%; no homozygotes.

Submission:

Labcorp Genetics (formerly Invitae), Labcorp
Classification: Uncertain significance. Last evaluated: 2022-02-28. Review status: criteria provided, single submitter. Criteria: Invitae Variant Classification Sherloc (09022015). Collection method: clinical testing. Allele origin: germline.
Comment: This sequence change replaces aspartic acid, which is acidic and polar, with asparagine, which is neutral and polar, at codon 807 of the TRAK1 protein (p.Asp807Asn). In summary, the available evidence is currently insufficient to determine the role of this variant in disease. Therefore, it has been classified as a Variant of Uncertain Significance. Algorithms developed to predict the effect of missense changes on protein structure and function output the following: SIFT: "Tolerated"; PolyPhen-2: "Benign"; Align-GVGD: "Class C0". The asparagine amino acid residue is found in multiple mammalian species, which suggests that this missense change does not adversely affect protein function. This variant has not been reported in the literature in individuals affected with TRAK1-related conditions. This variant is present in population databases (rs776184775, gnomAD 0.006%).